The following is an entry in ClinVar:

ClinVar aggregate classification (germline): Likely benign (1 of 4 stars; one submission).

Allele frequency attached by ClinVar (database versions not stated): 1000 Genomes Project 30x 0.00203; 1000 Genomes Project 0.00220.
gnomAD v4.1: 559 of 1,602,386 alleles (0.035%); highest among the groups gnomAD compares: East Asian, 0.95%; 1 homozygote.

Submission:

CeGaT Center for Human Genetics Tuebingen
Classification: Likely benign. Last evaluated: 2026-04-01. Review status: criteria provided, single submitter. Criteria: CeGaT Center For Human Genetics Tuebingen Variant Classification Criteria Version 2. Collection method: clinical testing. Allele origin: germline. Affected: yes. Observed: 2 variant alleles.
Comment: COA6: BP4, BP7

NM_001206641.3(COA6):c.39C>A (p.Arg13=)

Genes: COA6 (cytochrome c oxidase assembly factor 6; plus strand), COA6-AS1 (COA6 antisense RNA 1; minus strand). Cytogenetic location: 1q42.2.
Variant type: single nucleotide variant.
Coding change: c.39C>A on transcript NM_001206641.3 (MANE Select); coding-DNA position 39, C replaced by A.
Protein change: p.Arg13=; no amino-acid change (arginine 13 retained).
Molecular consequence: synonymous variant. On other transcripts: non-coding transcript variant (1).
Genome position (GRCh38, 1-based): chr1:234,373,505, C>A. VCF-style: chr1-234373505-C-A. GRCh37 (hg19) VCF-style: chr1-234509251-C-A.
Identifiers: ClinVar variation 3024924 (VCV003024924.22), dbSNP rs150519772, ClinGen allele CA1459909.
Genomic context (GRCh38, chr1:234,373,505, plus strand): 5'-CCCGCCCCTCTATGGAAAGTAAATGGTAGCTCGGAAGGGTCAAAAGAGTCCGCGGTTTCG[C>A]CGCGTGAGTTGCTTTTTGCGGCTGGGGAGGTCTACGCTTCTAGAGCTTGAGCCAGCGGGG-3'
Protein context (NP_001193570.2, residues 3-23): ARKGQKSPRF[Arg13=]RVSCFLRLGR